The following is an entry in ClinVar:

ClinVar aggregate classification (germline): Conflicting classifications of pathogenicity. Review status: criteria provided, conflicting classifications (1 of 4 stars). 6 submissions from 6 submitters: Uncertain significance (2); Likely benign (2). 2 of the submissions do not count toward it. Last evaluated 2025-12-10.

Conditions:
Inborn genetic diseases. Identifiers: MedGen C0950123, MeSH D030342.
NOTCH2-related disorder. Also called: NOTCH2-related condition.
Alagille syndrome due to a NOTCH2 point mutation. Also called: Alagille syndrome 2. Identifiers: Orphanet 261629, Orphanet 52, MedGen C1857761, MONDO:0012439, OMIM 610205.
Hajdu-Cheney syndrome (HJCYS). Also called: SERPENTINE FIBULA-POLYCYSTIC KIDNEY SYNDROME; ACROOSTEOLYSIS WITH OSTEOPOROSIS AND CHANGES IN SKULL AND MANDIBLE; Acroosteolysis dominant type. Identifiers: Orphanet 955, MedGen C0917715, MONDO:0007057, OMIM 102500.

Allele frequency attached by ClinVar (database versions not stated): gnomAD exomes 0.00004 and 0.00006; ExAC 0.00009; TOPMed 0.00013; gnomAD 0.00017 and 0.00018; 1000 Genomes Project 30x 0.00031; ESP Exome Variant Server 0.00031; 1000 Genomes Project 0.00040.
gnomAD v4.1: 79 of 1,614,104 alleles (0.0049%); highest among the groups gnomAD compares: African/African-American, 0.04%; no homozygotes.

Submissions (6):

Labcorp Genetics (formerly Invitae), Labcorp
Classification: Likely benign for Hajdu-Cheney syndrome. Last evaluated: 2025-12-10. Review status: criteria provided, single submitter. Criteria: Invitae Variant Classification Sherloc (09022015). Collection method: clinical testing. Allele origin: germline.

Ambry Genetics
Classification: Likely benign for Inborn genetic diseases. Last evaluated: 2025-01-31. Review status: criteria provided, single submitter. Criteria: Ambry Variant Classification Scheme 2023. Collection method: clinical testing. Allele origin: germline.

Fulgent Genetics
Classification: Uncertain significance for Hajdu-Cheney syndrome; Alagille syndrome due to a NOTCH2 point mutation. Last evaluated: 2022-02-17. Review status: criteria provided, single submitter. Criteria: ACMG Guidelines, 2015. Collection method: clinical testing. Allele origin: unknown.

Eurofins Ntd Llc (ga)
Classification: Uncertain significance. Last evaluated: 2016-02-12. Review status: criteria provided, single submitter. Criteria: EGL Classification Definitions 2015. Collection method: clinical testing. Allele origin: germline.

PreventionGenetics, part of Exact Sciences
Classification: Likely benign for NOTCH2-related condition. Last evaluated: 2021-10-11. Review status: no assertion criteria provided. Collection method: clinical testing. Allele origin: germline. Not counted in ClinVar's aggregate classification.
Comment: This variant is classified as likely benign based on ACMG/AMP sequence variant interpretation guidelines (Richards et al. 2015 PMID: 25741868, with internal and published modifications).

ITMI
No classification provided. Condition: AllHighlyPenetrant. Last evaluated: 2013-09-19. Review status: no classification provided. Collection method: reference population. Allele origin: germline. Not counted in ClinVar's aggregate classification.
Comment: Please see associated publication for description of ethnicities

Literature cited by the submitters: PubMed 24728327 (cited by ITMI).

NM_024408.4(NOTCH2):c.3206G>A (p.Arg1069Gln)

Gene: NOTCH2 (notch receptor 2; minus strand). Cytogenetic location: 1p12.
Variant type: single nucleotide variant.
Coding change: c.3206G>A on transcript NM_024408.4 (MANE Select); coding-DNA position 3206, G replaced by A.
Protein change: p.Arg1069Gln; replaces arginine 1069 with glutamine.
Molecular consequence: missense variant.
Genome position (GRCh38, 1-based): chr1:119,937,988, C>T on the plus strand (G>A on the coding strand, the complement: NOTCH2 is on the minus strand). VCF-style: chr1-119937988-C-T. GRCh37 (hg19) VCF-style: chr1-120480611-C-T.
Other names: c.3206G>A (NM_024408.3); c.3206G>A, p.Arg1069Gln (NM_001200001.2); short protein forms R1069Q.
Identifiers: ClinVar variation 134965 (VCV000134965.15), dbSNP rs146014987, ClinGen allele CA161257.